The following is an entry in ClinVar:

NM_001369268.1(ACAN):c.17G>A (p.Trp6Ter)

Gene: ACAN (aggrecan; plus strand). Cytogenetic location: 15q26.1.
Variant type: single nucleotide variant.
Coding change: c.17G>A on transcript NM_001369268.1 (MANE Select); coding-DNA position 17, G replaced by A.
Protein change: p.Trp6Ter; replaces tryptophan 6 with a stop codon.
Molecular consequence: nonsense.
Genome position (GRCh38, 1-based): chr15:88,836,223, G>A. VCF-style: chr15-88836223-G-A. GRCh37 (hg19) VCF-style: chr15-89379454-G-A.
Other names: c.17G>A, p.Trp6Ter (NM_001135.4, NM_001411096.1, NM_001411097.1 and 1 more transcripts); short protein forms W6*.
Identifiers: ClinVar variation 2578195 (VCV002578195.4), dbSNP rs1447022229, ClinGen allele CA393713678.

ClinVar aggregate classification (germline): Pathogenic. Review status: criteria provided, multiple submitters, no conflicts (2 of 4 stars). 2 submissions from 2 submitters: Pathogenic (2). Last evaluated 2025-02-24.

Submissions (2):

GeneDx
Classification: Pathogenic. Last evaluated: 2025-02-24. Review status: criteria provided, single submitter. Criteria: GeneDx Variant Classification Process June 2021. Collection method: clinical testing. Allele origin: germline. Affected: yes.
Comment: Nonsense variant predicted to result in protein truncation or nonsense mediated decay in a gene for which loss of function is a known mechanism of disease; Not observed at significant frequency in large population cohorts (gnomAD); Has not been previously published as pathogenic or benign to our knowledge

Labcorp Genetics (formerly Invitae), Labcorp
Classification: Pathogenic. Last evaluated: 2025-01-13. Review status: criteria provided, single submitter. Criteria: Invitae Variant Classification Sherloc (09022015). Collection method: clinical testing. Allele origin: germline.
Comment: This sequence change creates a premature translational stop signal (p.Trp6*) in the ACAN gene. It is expected to result in an absent or disrupted protein product. Loss-of-function variants in ACAN are known to be pathogenic (PMID: 16080123, 24762113). This variant is not present in population databases (gnomAD no frequency). This variant has not been reported in the literature in individuals affected with ACAN-related conditions. ClinVar contains an entry for this variant (Variation ID: 2578195). For these reasons, this variant has been classified as Pathogenic.

Literature cited by the submitters: PubMed 16080123 (cited by Labcorp Genetics (formerly Invitae), Labcorp); PubMed 24762113 (cited by Labcorp Genetics (formerly Invitae), Labcorp).